The following is an entry in ClinVar:

NM_001365951.3(KIF1B):c.3091A>T (p.Thr1031Ser)

Gene: KIF1B (kinesin family member 1B; plus strand). Cytogenetic location: 1p36.22.
Variant type: single nucleotide variant.
Coding change: c.3091A>T on transcript NM_001365951.3 (MANE Select); coding-DNA position 3091, A replaced by T.
Protein change: p.Thr1031Ser; replaces threonine 1031 with serine.
Molecular consequence: missense variant.
Genome position (GRCh38, 1-based): chr1:10,336,704, A>T. VCF-style: chr1-10336704-A-T. GRCh37 (hg19) VCF-style: chr1-10396762-A-T.
Other names: c.3091A>T, p.Thr1031Ser (NM_001365952.1); c.2953A>T, p.Thr985Ser (NM_015074.3); short protein forms T1031S, T985S.
Identifiers: ClinVar variation 2448060 (VCV002448060.2), dbSNP rs771035918, ClinGen allele CA581700.

ClinVar aggregate classification (germline): Uncertain significance (1 of 4 stars; one submission).

Allele frequency attached by ClinVar (database versions not stated): ExAC 0.00001; gnomAD 0.00001.
gnomAD v4.1: 7 of 1,614,006 alleles (0.00043%); highest among the groups gnomAD compares: South Asian, 0.0066%; no homozygotes.

Submission:

Ambry Genetics
Classification: Uncertain significance. Last evaluated: 2023-01-16. Review status: criteria provided, single submitter. Criteria: Ambry Variant Classification Scheme 2023. Collection method: clinical testing. Allele origin: germline.
Comment: The p.T985S variant (also known as c.2953A>T), located in coding exon 26 of the KIF1B gene, results from an A to T substitution at nucleotide position 2953. The threonine at codon 985 is replaced by serine, an amino acid with similar properties. This amino acid position is conserved. In addition, the in silico prediction for this alteration is inconclusive. Since supporting evidence is limited at this time, the clinical significance of this alteration remains unclear.